The following is an entry in ClinVar:

NM_000448.3(RAG1):c.2665T>C (p.Tyr889His)

Gene: RAG1 (recombination activating 1; plus strand). Cytogenetic location: 11p12.
Variant type: single nucleotide variant.
Coding change: c.2665T>C on transcript NM_000448.3 (MANE Select); coding-DNA position 2665, T replaced by C.
Protein change: p.Tyr889His; replaces tyrosine 889 with histidine.
Molecular consequence: missense variant.
Genome position (GRCh38, 1-based): chr11:36,575,969, T>C. VCF-style: chr11-36575969-T-C. GRCh37 (hg19) VCF-style: chr11-36597519-T-C.
Other names: c.2665T>C, p.Tyr889His (NM_001377277.1, NM_001377278.1, NM_001377279.1 and 1 more transcripts); short protein forms Y889H.
Identifiers: ClinVar variation 1378530 (VCV001378530.8), dbSNP rs2133297952, ClinGen allele CA380155310.

ClinVar aggregate classification (germline): Uncertain significance (1 of 4 stars; one submission).

Conditions:
Combined immunodeficiency with skin granulomas. Identifiers: Orphanet 157949, MedGen C2673536, MONDO:0009306, OMIM 233650.
Severe combined immunodeficiency, autosomal recessive, T cell-negative, B cell-negative, NK cell-positive. Also called: SCID, T CELL-NEGATIVE, B CELL-NEGATIVE, NK CELL-POSITIVE; SCID, AR, T-cell negative, B-cell negative, NK cell-positive; Severe combined immunodeficiency due to complete RAG1/2 deficiency. Identifiers: Orphanet 331206, MedGen C1832322, MONDO:0011086, OMIM 601457.

Submission:

Labcorp Genetics (formerly Invitae), Labcorp
Classification: Uncertain significance for Combined immunodeficiency with skin granulomas; Severe combined immunodeficiency, autosomal recessive, T cell-negative, B cell-negative, NK cell-positive. Last evaluated: 2022-06-13. Review status: criteria provided, single submitter. Criteria: Invitae Variant Classification Sherloc (09022015). Collection method: clinical testing. Allele origin: germline.
Comment: In summary, the available evidence is currently insufficient to determine the role of this variant in disease. Therefore, it has been classified as a Variant of Uncertain Significance. Advanced modeling of protein sequence and biophysical properties (such as structural, functional, and spatial information, amino acid conservation, physicochemical variation, residue mobility, and thermodynamic stability) performed at Invitae indicates that this missense variant is expected to disrupt RAG1 protein function. This variant has not been reported in the literature in individuals affected with RAG1-related conditions. This variant is not present in population databases (gnomAD no frequency). This sequence change replaces tyrosine, which is neutral and polar, with histidine, which is basic and polar, at codon 889 of the RAG1 protein (p.Tyr889His).